The following is an entry in ClinVar:

NM_174889.5(NDUFAF2):c.386_390del (p.Ile129fs)

Gene: NDUFAF2 (NADH:ubiquinone oxidoreductase complex assembly factor 2; plus strand). Cytogenetic location: 5q12.1.
Variant type: Deletion.
Coding change: c.386_390del on transcript NM_174889.5 (MANE Select); coding-DNA positions 386 to 390, 5 bases deleted (TTAAA; older notation c.386_390delTTAAA).
Protein change: p.Ile129fs; shifts the reading frame from isoleucine 129.
Molecular consequence: frameshift variant.
Genome position (GRCh38, 1-based): chr5:61,152,831-61,152,835, TTAAA deleted; deleting any 5 consecutive bases within chr5:61,152,828-61,152,835 gives the same sequence; the c. name uses the placement nearest the transcript's 3' end. VCF-style (leftmost placement, unchanged base first): chr5-61152827-CAAATT-C. GRCh37 (hg19) VCF-style: chr5-60448654-CAAATT-C.
Other names: short protein forms I129fs.
Identifiers: ClinVar variation 214743 (VCV000214743.1), dbSNP rs760647945, ClinGen allele CA322505.

ClinVar aggregate classification (germline): Pathogenic (1 of 4 stars; one submission).

Submission:

GeneDx
Classification: Pathogenic. Last evaluated: 2013-01-08. Review status: criteria provided, single submitter. Criteria: GeneDx Variant Classification (06012015). Collection method: clinical testing. Allele origin: germline. Affected: yes.
Comment: c.383_387delAAATT: p.Ile129ArgfsX22 (I129RfsX22) in exon 4 of the NDUFAF2 gene (NM_174889.4). The c.386_390delTTAAA mutation in the NDUFAF2 gene causes a frameshift starting with codon Isoleucine 129, changes this amino acid to an Arginine residue and creates a premature Stop codon at position 22 of the new reading frame, denoted p.Ile129ArgfsX22. This mutation is predicted to cause loss of normal protein function through protein truncation. Although this mutation has not been previously reported to our knowledge, it is expected to be a pathogenic mutation. The variant is found in OXPHOS-MITOP panel(s).